The following is an entry in ClinVar:

NM_030782.5(CLPTM1L):c.459C>T (p.Ile153=)

Gene: CLPTM1L (CLPTM1 like). Cytogenetic location: 5p15.33.
Variant type: single nucleotide variant.
Coding change: c.459C>T on transcript NM_030782.5 (MANE Select); coding-DNA position 459, C replaced by T.
Protein change: p.Ile153=; no amino-acid change (isoleucine 153 retained).
Molecular consequence: synonymous variant.
Genome position (GRCh38, 1-based): chr5:1,339,000, G>A on the plus strand (C>T on the coding strand, the complement: CLPTM1L is on the minus strand). VCF-style: chr5-1339000-G-A. GRCh37 (hg19) VCF-style: chr5-1339115-G-A.
Identifiers: ClinVar variation 3057697 (VCV003057697.2), dbSNP rs199834712, ClinGen allele CA3185627.

ClinVar aggregate classification (germline): Likely benign (0 of 4 stars; one submission).

Conditions:
CLPTM1L-related disorder. Also called: CLPTM1L-related condition.

Allele frequency attached by ClinVar (database versions not stated): ExAC 0.00001.
gnomAD v4.1: 50 of 1,612,800 alleles (0.0031%); highest among the groups gnomAD compares: Admixed American, 0.0067%; no homozygotes.

Submission:

PreventionGenetics, part of Exact Sciences
Classification: Likely benign for CLPTM1L-related condition. Last evaluated: 2019-04-25. Review status: no assertion criteria provided. Collection method: clinical testing. Allele origin: germline.
Comment: This variant is classified as likely benign based on ACMG/AMP sequence variant interpretation guidelines (Richards et al. 2015 PMID: 25741868, with internal and published modifications).